The following is an entry in ClinVar:

NM_000548.5(TSC2):c.2549T>C (p.Leu850Pro)

Gene: TSC2 (TSC complex subunit 2; plus strand). Cytogenetic location: 16p13.3.
Variant type: single nucleotide variant.
Coding change: c.2549T>C on transcript NM_000548.5 (MANE Select); coding-DNA position 2549, T replaced by C.
Protein change: p.Leu850Pro; replaces leucine 850 with proline.
Molecular consequence: missense variant.
Genome position (GRCh38, 1-based): chr16:2,075,802, T>C. VCF-style: chr16-2075802-T-C. GRCh37 (hg19) VCF-style: chr16-2125803-T-C.
Other names: c.2549T>C, p.Leu850Pro (NM_001077183.3, NM_001114382.3, NM_001363528.2 and 3 more transcripts); c.2438T>C, p.Leu813Pro (NM_001318827.2); c.2402T>C, p.Leu801Pro (NM_001318829.2); c.1949T>C, p.Leu650Pro (NM_001318831.2); c.2582T>C, p.Leu861Pro (NM_001318832.2); short protein forms L850P, L650P, L861P, L813P, L801P.
Identifiers: ClinVar variation 50077 (VCV000050077.12), dbSNP rs45517248, ClinGen allele CA017661.

ClinVar aggregate classification (germline): Pathogenic/Likely pathogenic. Review status: criteria provided, multiple submitters, no conflicts (2 of 4 stars). 3 submissions from 3 submitters: Pathogenic (1); Likely pathogenic (1). 1 of the submissions does not count toward it. Last evaluated 2021-07-14.

Conditions:
Hereditary cancer-predisposing syndrome. Also called: Neoplastic Syndromes, Hereditary; Tumor predisposition; Hereditary Cancer Syndrome; Hereditary neoplastic syndrome. Identifiers: Orphanet 140162, MedGen C0027672, MeSH D009386, MONDO:0015356.
Tuberous sclerosis syndrome (TSC). Also called: Tuberous Sclerosis Complex; Tuberous sclerosis. Identifiers: Orphanet 805, MedGen C0041341, MONDO:0001734.
Tuberous sclerosis 2 (TSC2). Identifiers: Orphanet 805, MedGen C1860707, MONDO:0013199, OMIM 613254.

Submissions (3):

Labcorp Genetics (formerly Invitae), Labcorp
Classification: Likely pathogenic for Tuberous sclerosis 2. Last evaluated: 2021-07-14. Review status: criteria provided, single submitter. Criteria: Invitae Variant Classification Sherloc (09022015). Collection method: clinical testing. Allele origin: germline.
Comment: In summary, the currently available evidence indicates that the variant is pathogenic, but additional data are needed to prove that conclusively. Therefore, this variant has been classified as Likely Pathogenic. Advanced modeling of protein sequence and biophysical properties (such as structural, functional, and spatial information, amino acid conservation, physicochemical variation, residue mobility, and thermodynamic stability) performed at Invitae indicates that this missense variant is expected to disrupt TSC2 protein function. ClinVar contains an entry for this variant (Variation ID: 50077). This variant has been observed in individuals with tuberous sclerosis complex (PMID: 17304050, 25782670; Invitae). This variant is not present in population databases (ExAC no frequency). This sequence change replaces leucine with proline at codon 850 of the TSC2 protein (p.Leu850Pro). The leucine residue is highly conserved and there is a moderate physicochemical difference between leucine and proline.

Ambry Genetics
Classification: Pathogenic for Hereditary cancer-predisposing syndrome. Last evaluated: 2016-06-24. Review status: criteria provided, single submitter. Criteria: Ambry Variant Classification Scheme 2023. Collection method: clinical testing. Allele origin: germline.
Comment: The p.L850P pathogenic mutation (also known as c.2549T>C), located in coding exon 22 of the TSC2 gene, results from a T to C substitution at nucleotide position 2549. The leucine at codon 850 is replaced by proline, an amino acid with some similar properties. This alteration has been reported as de novo in a patient with tuberous sclerosis complex (Au KS et al, Genet. Med. 2007 Feb; 9(2):88-100). In another study, this mutation was also detected in an individual with tuberous sclerosis complex undergoing everolimus treatment for subependymal giant cell astrocytomas(Kwiatkowski DJ et al, Eur. J. Hum. Genet. 2015 Dec; 23(12):1665-72). Based on the available evidence, p.L850P is classified as a pathogenic mutation.

Tuberous sclerosis database (TSC2)
No classification provided. Condition: TSC. Review status: no classification provided. Criteria: Tuberous Sclerosis Database Assertion Criteria 2015. Collection method: curation. Allele origin: germline. Affected: yes. Not counted in ClinVar's aggregate classification.

Literature cited by the submitters: PubMed 17304050 (cited by Labcorp Genetics (formerly Invitae), Labcorp and Ambry Genetics); PubMed 25782670 (cited by Labcorp Genetics (formerly Invitae), Labcorp and Ambry Genetics).